The following is an entry in ClinVar:

ClinVar aggregate classification (germline): Uncertain significance (1 of 4 stars; one submission).

Allele frequency attached by ClinVar (database versions not stated): gnomAD exomes 0.00001; ExAC 0.00002; TOPMed 0.00002.
gnomAD v4.1: 5 of 1,613,864 alleles (0.00031%); highest among the groups gnomAD compares: Admixed American, 0.0067%; no homozygotes.

Submission:

Labcorp Genetics (formerly Invitae), Labcorp
Classification: Uncertain significance. Last evaluated: 2022-03-12. Review status: criteria provided, single submitter. Criteria: Invitae Variant Classification Sherloc (09022015). Collection method: clinical testing. Allele origin: germline.
Comment: In summary, the available evidence is currently insufficient to determine the role of this variant in disease. Therefore, it has been classified as a Variant of Uncertain Significance. This sequence change creates a premature translational stop signal (p.Trp548*) in the C8B gene. While this is not anticipated to result in nonsense mediated decay, it is expected to disrupt the last 44 amino acid(s) of the C8B protein. This variant is present in population databases (rs757959349, gnomAD 0.02%). This variant has not been reported in the literature in individuals affected with C8B-related conditions.

NM_000066.4(C8B):c.1643G>A (p.Trp548Ter)

Gene: C8B (complement C8 beta chain; minus strand). Cytogenetic location: 1p32.2.
Variant type: single nucleotide variant.
Coding change: c.1643G>A on transcript NM_000066.4 (MANE Select); coding-DNA position 1643, G replaced by A.
Protein change: p.Trp548Ter; replaces tryptophan 548 with a stop codon.
Molecular consequence: nonsense.
Genome position (GRCh38, 1-based): chr1:56,929,537, C>T on the plus strand (G>A on the coding strand, the complement: C8B is on the minus strand). VCF-style: chr1-56929537-C-T. GRCh37 (hg19) VCF-style: chr1-57395210-C-T.
Other names: c.1487G>A, p.Trp496Ter (NM_001278543.2); c.1457G>A, p.Trp486Ter (NM_001278544.2); short protein forms W548*, W496*, W486*.
Identifiers: ClinVar variation 2070020 (VCV002070020.4), dbSNP rs757959349, ClinGen allele CA875553.
Genomic context (GRCh38, chr1:56,929,537, plus strand): 5'-CACTGCCTTTGTCTTGTCTTACGTCTTCCAGAGCATGAAGACCAATTTGACCAGCAATTC[C>T]ACTTCCCATCAATGGGGGTATCTATAAGAAAGAAGGTCAATAAGCATCAATCAGCACTTC-3'